The following is an entry in ClinVar:

NM_005159.5(ACTC1):c.990+14_990+15insAAAGAACTTTTGGGGGGAGGAGCCAAGATGGCCGAATAGGAACAGCTCCGGTCTACAGCTCCCAGCGTGAGCGACGCAGAAGACGGTGATTTCTGCATTTCCATCTGAGGTACCNNNNNNNNNNAAAAAAAAAAAAAAAAA

Genes: GJD2-DT (GJD2 divergent transcript; plus strand), ACTC1 (actin alpha cardiac muscle 1; minus strand). Cytogenetic location: 15q14.
Variant type: Insertion.
Coding change: c.990+14_990+15insAAAGAACTTTTGGGGGGAGGAGCCAAGATGGCCGAATAGGAACAGCTCCGGTCTACAGCTCCCAGCGTGAGCGACGCAGAAGACGGTGATTTCTGCATTTCCATCTGAGGTACCNNNNNNNNNNAAAAAAAAAAAAAAAAA on transcript NM_005159.5 (MANE Select); bases 14 to 15 of the intron after coding-DNA position 990, AAAGAACTTTTGGGGGGAGGAGCCAAGATGGCCGAATAGGAACAGCTCCGGTCTACAGCTCCCAGCGTGAGCGACGCAGAAGACGGTGATTTCTGCATTTCCATCTGAGGTACCNNNNNNNNNNAAAAAAAAAAAAAAAAA inserted.
Molecular consequence: intron variant.
Genome position: GRCh38: chr15:34,791,111-34,791,112. GRCh37 (hg19): chr15:35,083,312-35,083,313.
Identifiers: ClinVar variation 1374609 (VCV001374609.8), dbSNP rs2140429486.

ClinVar aggregate classification (germline): Uncertain significance (1 of 4 stars; one submission).

Conditions:
Hypertrophic cardiomyopathy 11. Also called: ACTC1-Related Familial Hypertrophic Cardiomyopathy. Identifiers: MedGen C2677506, MONDO:0012799, OMIM 612098.
Dilated cardiomyopathy 1R (CMD1R). Identifiers: Orphanet 154, Orphanet 54260, MedGen C3150681, MONDO:0013261, OMIM 613424.
Atrial septal defect 5 (ASD5). Identifiers: Orphanet 1478, MedGen C2748552, MONDO:0013011, OMIM 612794.

Submission:

Labcorp Genetics (formerly Invitae), Labcorp
Classification: Uncertain significance for Dilated cardiomyopathy 1R; Hypertrophic cardiomyopathy 11; Atrial septal defect 5. Last evaluated: 2021-02-20. Review status: criteria provided, single submitter. Criteria: Invitae Variant Classification Sherloc (09022015). Collection method: clinical testing. Allele origin: germline.
Comment: In summary, the available evidence is currently insufficient to determine the role of this variant in disease. Therefore, it has been classified as a Variant of Uncertain Significance. Algorithms developed to predict the effect of sequence changes on RNA splicing suggest that this variant may create or strengthen a splice site, but this prediction has not been confirmed by published transcriptional studies. This variant has not been reported in the literature in individuals with ACTC1-related conditions. This variant is not present in population databases (ExAC no frequency). This sequence change inserts a large fragment of DNA, likely a transposable element, in intron 6 of the ACTC1 gene. It does not directly change the encoded amino acid sequence of the ACTC1 protein.